The following is an entry in ClinVar:

NM_000642.3(AGL):c.3014del (p.Cys1005fs)

Gene: AGL (amylo-alpha-1,6-glucosidase and 4-alpha-glucanotransferase; plus strand). Cytogenetic location: 1p21.2.
Variant type: Deletion.
Coding change: c.3014del on transcript NM_000642.3 (MANE Select); coding-DNA position 3014, one base deleted (G; older notation c.3014delG).
Protein change: p.Cys1005fs; shifts the reading frame from cysteine 1005.
Molecular consequence: frameshift variant.
Genome position (GRCh38, 1-based): chr1:99,891,670, G deleted. VCF-style (leftmost placement, unchanged base first): chr1-99891669-TG-T. GRCh37 (hg19) VCF-style: chr1-100357225-TG-T.
Other names: c.3014delG, p.Cys1005Phefs (NM_000028.3, NM_000643.3, NM_000644.3 and 1 more transcripts); c.2966delG, p.Cys989Phefs (NM_000646.3); c.2993delG, p.Cys998Phefs (NM_001425326.1); c.2813delG, p.Cys938Phefs (NM_001425327.1); c.2810delG, p.Cys937Phefs (NM_001425328.1); c.2675delG, p.Cys892Phefs (NM_001425329.1); c.2636delG, p.Cys879Phefs (NM_001425332.1); short protein forms C1005fs, C989fs.
Identifiers: ClinVar variation 940240 (VCV000940240.14), dbSNP rs754653701, ClinGen allele CA966952.

ClinVar aggregate classification (germline): Pathogenic/Likely pathogenic. Review status: criteria provided, multiple submitters, no conflicts (2 of 4 stars). 4 submissions from 4 submitters: Pathogenic (3); Likely pathogenic (1). Last evaluated 2025-05-06.

Conditions:
Glycogen storage disease type III (GSD3). Also called: Cori disease; FORBES DISEASE. Identifiers: Orphanet 366, MedGen C0017922, MONDO:0009291, OMIM 232400.

Allele frequency attached by ClinVar (database versions not stated): ExAC 0.00001; gnomAD 0.00001; gnomAD exomes 0.00001 and 0.00002.

Submissions (4):

Victorian Clinical Genetics Services, Murdoch Childrens Research Institute
Classification: Pathogenic for Glycogen storage disease type III. Last evaluated: 2025-05-06. Review status: criteria provided, single submitter. Criteria: ACMG Guidelines, 2015. Collection method: clinical testing. Allele origin: germline.
Comment: This variant is classified as Pathogenic. Evidence in support of pathogenic classification: Variant is predicted to cause nonsense-mediated decay (NMD) and loss of protein (premature termination codon is located at least 54 nucleotides upstream of the final exon-exon junction); Variant is present in gnomAD <0.01 for a recessive condition (v4: 17 heterozygote(s), 0 homozygote(s)) ; This variant has moderate previous evidence of pathogenicity in unrelated individuals. This variant has been classified pathogenic by clinical laboratories (ClinVar) and has been identified compound heterozygous in an individual with glycogen storage disease IIIa (PMID:34820282); Other NMD-predicted variants comparable to the one identified in this case have very strong previous evidence for pathogenicity (DECIPHER). Additional information: This variant is heterozygous; This gene is associated with autosomal recessive disease; No published segregation evidence has been identified for this variant; No published functional evidence has been identified for this variant; Loss of function is a known mechanism of disease in this gene and is associated with Glycogen storage disease IIIa (MIM#232400) and Glycogen storage disease IIIb (MIM#232400).

Natera, Inc.
Classification: Likely pathogenic for Glycogen storage disease type III. Last evaluated: 2024-12-09. Review status: criteria provided, single submitter. Criteria: Natera Variant Classification Schema (03/2026). Collection method: clinical testing. Allele origin: germline.
Comment: The c.3014del variant in AGL is a frameshift variant predicted to shift the reading frame beginning at codon 1005 and leads to a stop codon 7 codons downstream. This variant is expected to result in nonsense mediated decay, truncation, or a dysfunctional protein product. This variant is rare in the general population with a frequency below the threshold expected for the associated phenotype(s). Given the available evidence, this variant is classified as Likely Pathogenic.

Labcorp Genetics (formerly Invitae), Labcorp
Classification: Pathogenic for Glycogen storage disease type III. Last evaluated: 2024-08-28. Review status: criteria provided, single submitter. Criteria: Invitae Variant Classification Sherloc (09022015). Collection method: clinical testing. Allele origin: germline.
Comment: This sequence change creates a premature translational stop signal (p.Cys1005Phefs*7) in the AGL gene. It is expected to result in an absent or disrupted protein product. Loss-of-function variants in AGL are known to be pathogenic (PMID: 19299494). This variant is present in population databases (rs754653701, gnomAD 0.004%). This premature translational stop signal has been observed in individual(s) with glycogen storage disease (PMID: 10655153). ClinVar contains an entry for this variant (Variation ID: 940240). For these reasons, this variant has been classified as Pathogenic.

GeneDx
Classification: Pathogenic. Last evaluated: 2023-06-26. Review status: criteria provided, single submitter. Criteria: GeneDx Variant Classification Process June 2021. Collection method: clinical testing. Allele origin: germline. Affected: yes.
Comment: Frameshift variant predicted to result in protein truncation or nonsense mediated decay in a gene for which loss of function is a known mechanism of disease; Not observed at significant frequency in large population cohorts (gnomAD); This variant is associated with the following publications: (PMID: 10655153, 34820282)

Literature cited by the submitters: PubMed 34820282 (cited by Victorian Clinical Genetics Services, Murdoch Childrens Research Institute); PubMed 19299494 (cited by Labcorp Genetics (formerly Invitae), Labcorp); PubMed 10655153 (cited by Labcorp Genetics (formerly Invitae), Labcorp).